The following is an entry in ClinVar:

ClinVar aggregate classification (germline): Benign (1 of 4 stars; one submission).

Allele frequency attached by ClinVar (database versions not stated): 1000 Genomes Project 30x 0.19488; 1000 Genomes Project 0.19549; gnomAD 0.21051 and 0.21303; TOPMed 0.22288.
gnomAD v4.1: 32,050 of 152,142 alleles (21%); highest among the groups gnomAD compares: African/African-American, 24%; 3,451 homozygotes.

Submission:

GeneDx
Classification: Benign. Last evaluated: 2018-06-18. Review status: criteria provided, single submitter. Criteria: GeneDx Variant Classification (06012015). Collection method: clinical testing. Allele origin: germline. Affected: yes.
Comment: This variant is considered likely benign or benign based on one or more of the following criteria: it is a conservative change, it occurs at a poorly conserved position in the protein, it is predicted to be benign by multiple in silico algorithms, and/or has population frequency not consistent with disease.

NM_001999.4(FBN2):c.4345+329C>T

Gene: FBN2 (fibrillin 2; minus strand). Cytogenetic location: 5q23.3.
Variant type: single nucleotide variant.
Coding change: c.4345+329C>T on transcript NM_001999.4 (MANE Select); 329 bases into the intron after coding-DNA position 4345, C replaced by T.
Molecular consequence: intron variant.
Genome position (GRCh38, 1-based): chr5:128,330,244, G>A on the plus strand (C>T on the coding strand, the complement: FBN2 is on the minus strand). VCF-style: chr5-128330244-G-A. GRCh37 (hg19) VCF-style: chr5-127665936-G-A.
Identifiers: ClinVar variation 668957 (VCV000668957.1), dbSNP rs467928, ClinGen allele CA12150401.